The following is an entry in ClinVar:

ClinVar aggregate classification (germline): Uncertain significance. Review status: criteria provided, multiple submitters, no conflicts (2 of 4 stars). 2 submissions from 2 submitters: Uncertain significance (2). Last evaluated 2025-05-19.

gnomAD v4.1: 4 of 1,612,950 alleles (0.00025%); highest among the groups gnomAD compares: Non-Finnish European, 0.00034%; no homozygotes.

Submissions (2):

Labcorp Genetics (formerly Invitae), Labcorp
Classification: Uncertain significance. Last evaluated: 2025-05-19. Review status: criteria provided, single submitter. Criteria: Invitae Variant Classification Sherloc (09022015). Collection method: clinical testing. Allele origin: germline.
Comment: This sequence change replaces proline, which is neutral and non-polar, with leucine, which is neutral and non-polar, at codon 39 of the CD81 protein (p.Pro39Leu). This variant is not present in population databases (gnomAD no frequency). This variant has not been reported in the literature in individuals affected with CD81-related conditions. ClinVar contains an entry for this variant (Variation ID: 2799335). An algorithm developed to predict the effect of missense changes on protein structure and function (PolyPhen-2) suggests that this variant is likely to be tolerated. In summary, the available evidence is currently insufficient to determine the role of this variant in disease. Therefore, it has been classified as a Variant of Uncertain Significance.

Ambry Genetics
Classification: Uncertain significance. Last evaluated: 2024-02-26. Review status: criteria provided, single submitter. Criteria: Ambry Variant Classification Scheme 2023. Collection method: clinical testing. Allele origin: germline.

NM_004356.4(CD81):c.116C>T (p.Pro39Leu)

Gene: CD81 (CD81 molecule; plus strand). Cytogenetic location: 11p15.5.
Variant type: single nucleotide variant.
Coding change: c.116C>T on transcript NM_004356.4 (MANE Select); coding-DNA position 116, C replaced by T.
Protein change: p.Pro39Leu; replaces proline 39 with leucine.
Molecular consequence: missense variant. On other transcripts: 5 prime UTR variant (1).
Genome position (GRCh38, 1-based): chr11:2,390,461, C>T. VCF-style: chr11-2390461-C-T. GRCh37 (hg19) VCF-style: chr11-2411691-C-T.
Other names: c.-98C>T (NM_001297649.2, NM_001425129.1, NM_001425131.1 and 3 more transcripts); c.-94C>T (NM_001425130.1); c.116C>T, p.Pro39Leu (NM_001425135.1, NM_001425137.1); short protein forms P39L.
Identifiers: ClinVar variation 2799335 (VCV002799335.4), dbSNP rs770937260, ClinGen allele CA379120591.
Genomic context (GRCh38, chr11:2,390,461, plus strand): 5'-CTCTTTCCCAGCTGGCTGGAGGCGTGATCCTGGGTGTGGCCCTGTGGCTCCGCCATGACC[C>T]GCAGACCACCAACCTCCTGTATCTGGAGCTGGGAGACAAGCCCGCGCCCAACACCTTCTA-3'
Protein context (NP_004347.1, residues 29-49): LGVALWLRHD[Pro39Leu]QTTNLLYLEL